The following is an entry in ClinVar:

ClinVar aggregate classification (germline): Uncertain significance (1 of 4 stars; one submission).

Conditions:
Hereditary cancer-predisposing syndrome. Also called: Tumor predisposition; Hereditary neoplastic syndrome; Neoplastic Syndromes, Hereditary; Hereditary Cancer Syndrome. Identifiers: Orphanet 140162, MedGen C0027672, MeSH D009386, MONDO:0015356.

Submission:

Ambry Genetics
Classification: Uncertain significance for Hereditary cancer-predisposing syndrome. Last evaluated: 2025-04-29. Review status: criteria provided, single submitter. Criteria: Ambry Variant Classification Scheme 2023. Collection method: clinical testing. Allele origin: germline.
Comment: The c.1440delGinsTTTTCC variant, located in coding exon 6 of the BARD1 gene, results from the deletion of one nucleotide and insertion of 6 nucleotides causing a translational frameshift with a predicted alternate stop codon (p.L480Ffs*10). This alteration is expected to result in loss of function by premature protein truncation or nonsense-mediated mRNA decay. However, in silico splice site analysis predicts that this alteration will weaken the native splice acceptor site and will result in the creation or strengthening of a novel splice acceptor site and the resulting transcript is predicted to be in-frame, although direct evidence is unavailable. As such, the clinical significant of this variant remains unclear.

NM_000465.4(BARD1):c.1440delinsTTTTCC (p.Leu480fs)

Gene: BARD1 (BRCA1 associated RING domain 1; minus strand). Cytogenetic location: 2q35.
Variant type: Indel.
Coding change: c.1440delinsTTTTCC on transcript NM_000465.4 (MANE Select); coding-DNA position 1440, G replaced by TTTTCC.
Protein change: p.Leu480fs; shifts the reading frame from leucine 480.
Molecular consequence: frameshift variant. On other transcripts: non-coding transcript variant (3), intron variant (3).
Genome position (GRCh38, 1-based): chr2:214,767,610, C replaced by GGAAAA on the plus strand (G replaced by TTTTCC on the coding strand, the reverse complement: BARD1 is on the minus strand). VCF-style: chr2-214767610-C-GGAAAA. GRCh37 (hg19) VCF-style: chr2-215632334-C-GGAAAA.
Other names: c.159-15055delinsTTTTCC (NM_001282548.2); c.216-15055delinsTTTTCC (NM_001282545.2); c.364+24687delinsTTTTCC (NM_001282549.2); c.1383delinsTTTTCC, p.Leu461fs (NM_001282543.2); short protein forms L480fs, L461fs.
Identifiers: ClinVar variation 3988367 (VCV003988367.1).
Genomic context (GRCh38, chr2:214,767,610, plus strand): 5'-ATCGTGAAGTGGTGAGTCATTTTGATACCCGGTGGTGTTCACCAATGCCTTATGCTGGAG[C>GGAAAA]AATAATTCCACTACCTTCAGGTGCCCATGATTGCAAGCTTCATGCTAATTAAATTTTTTG-3'